The following is an entry in ClinVar:

ClinVar aggregate classification (germline): Uncertain significance. Review status: criteria provided, multiple submitters, no conflicts (2 of 4 stars). 3 submissions from 3 submitters: Uncertain significance (3). Last evaluated 2025-11-13.

Conditions:
PLEC-related disorder. Also called: PLEC-related condition; PLEC-related disorders.
Epidermolysis bullosa simplex 5B, with muscular dystrophy (EBS5B). Also called: Epidermolysis bullosa simplex with muscular dystrophy; EPIDERMOLYSIS BULLOSA SIMPLEX AND LIMB-GIRDLE MUSCULAR DYSTROPHY. Identifiers: Orphanet 257, MedGen C2931072, MONDO:0009181, OMIM 226670.
Epidermolysis bullosa simplex, Ogna type (EBS5A). Also called: Pidermolysis bullosa simplex 5A, Ogna type; EPIDERMOLYSIS BULLOSA SIMPLEX 5A, OGNA TYPE. Identifiers: Orphanet 79401, MedGen C0432317, MONDO:0007555, OMIM 131950.
Epidermolysis bullosa simplex 5C, with pyloric atresia (EBS5C). Also called: PLEC1-Related Epidermolysis Bullosa with Pyloric Atresia; PLEC-Related Epidermolysis Bullosa with Pyloric Atresia; Epidermolysis bullosa simplex with pyloric atresia. Identifiers: Orphanet 158684, MedGen C2677349, MONDO:0012807, OMIM 612138.
Epidermolysis bullosa simplex with nail dystrophy (EBS5D). Identifiers: MedGen C4225309, MONDO:0014661, OMIM 616487.
Autosomal recessive limb-girdle muscular dystrophy type 2Q (LGMDR17). Also called: MUSCULAR DYSTROPHY, LIMB-GIRDLE, AUTOSOMAL RECESSIVE 17. Identifiers: Orphanet 254361, MedGen C3150989, MONDO:0013390, OMIM 613723.

Allele frequency attached by ClinVar (database versions not stated): gnomAD exomes below 0.00001; TOPMed below 0.00001; gnomAD 0.00001.
gnomAD v4.1: 6 of 1,612,398 alleles (0.00037%); highest among the groups gnomAD compares: Admixed American, 0.0033%; no homozygotes.

Submissions (3):

PreventionGenetics, part of Exact Sciences
Classification: Uncertain significance for PLEC-related condition. Last evaluated: 2025-11-13. Review status: criteria provided, single submitter. Criteria: ACMG Guidelines, 2015. Collection method: clinical testing. Allele origin: germline.
Comment: The PLEC c.1372G>A variant is predicted to result in the amino acid substitution p.Val458Met. To our knowledge, this variant has not been reported in the literature or in a large population database (gnomAD), indicating this variant is rare. At this time, the clinical significance of this variant is uncertain due to the absence of conclusive functional and genetic evidence.

Labcorp Genetics (formerly Invitae), Labcorp
Classification: Uncertain significance for Autosomal recessive limb-girdle muscular dystrophy type 2Q; Epidermolysis bullosa simplex, Ogna type; Epidermolysis bullosa simplex with nail dystrophy; Epidermolysis bullosa simplex 5C, with pyloric atresia; Epidermolysis bullosa simplex 5B, with muscular dystrophy. Last evaluated: 2025-02-27. Review status: criteria provided, single submitter. Criteria: Invitae Variant Classification Sherloc (09022015). Collection method: clinical testing. Allele origin: germline.
Comment: This sequence change replaces valine, which is neutral and non-polar, with methionine, which is neutral and non-polar, at codon 458 of the PLEC protein (p.Val458Met). This variant is not present in population databases (gnomAD no frequency). This variant has not been reported in the literature in individuals affected with PLEC-related conditions. ClinVar contains an entry for this variant (Variation ID: 2148049). Invitae Evidence Modeling of protein sequence and biophysical properties (such as structural, functional, and spatial information, amino acid conservation, physicochemical variation, residue mobility, and thermodynamic stability) indicates that this missense variant is not expected to disrupt PLEC protein function with a negative predictive value of 80%. In summary, the available evidence is currently insufficient to determine the role of this variant in disease. Therefore, it has been classified as a Variant of Uncertain Significance.

Revvity Omics, Revvity
Classification: Uncertain significance. Last evaluated: 2019-11-05. Review status: criteria provided, single submitter. Criteria: ACMG Guidelines, 2015. Collection method: clinical testing. Allele origin: germline.

NM_201384.3(PLEC):c.1291G>A (p.Val431Met)

Gene: PLEC (plectin; minus strand). Cytogenetic location: 8q24.3.
Variant type: single nucleotide variant.
Coding change: c.1291G>A on transcript NM_201384.3 (MANE Select); coding-DNA position 1291, G replaced by A.
Protein change: p.Val431Met; replaces valine 431 with methionine.
Molecular consequence: missense variant.
Genome position (GRCh38, 1-based): chr8:143,933,324, C>T on the plus strand (G>A on the coding strand, the complement: PLEC is on the minus strand). VCF-style: chr8-143933324-C-T. GRCh37 (hg19) VCF-style: chr8-145007492-C-T.
Other names: c.1372G>A (NM_000445.4); c.1372G>A, p.Val458Met (NM_000445.5, NM_001410941.1); c.1249G>A, p.Val417Met (NM_201378.4); c.1225G>A, p.Val409Met (NM_201379.3); c.1702G>A, p.Val568Met (NM_201380.4); c.1195G>A, p.Val399Met (NM_201381.3); c.1291G>A, p.Val431Met (NM_201382.4); c.1303G>A, p.Val435Met (NM_201383.3); short protein forms V399M, V435M, V409M, V417M, V568M, V431M, V458M.
Identifiers: ClinVar variation 2148049 (VCV002148049.8), dbSNP rs1430989236, ClinGen allele CA372582594.